The following is an entry in ClinVar:

NM_004360.5(CDH1):c.606T>C (p.Val202=)

Gene: CDH1 (cadherin 1; plus strand). Cytogenetic location: 16q22.1.
Variant type: single nucleotide variant.
Coding change: c.606T>C on transcript NM_004360.5 (MANE Select); coding-DNA position 606, T replaced by C.
Protein change: p.Val202=; no amino-acid change (valine 202 retained).
Molecular consequence: synonymous variant. On other transcripts: 5 prime UTR variant (2).
Genome position (GRCh38, 1-based): chr16:68,808,767, T>C. VCF-style: chr16-68808767-T-C. GRCh37 (hg19) VCF-style: chr16-68842670-T-C.
Other names: c.606T>C, p.Val202= (NM_001317184.2); c.-1010T>C (NM_001317185.2); c.-1214T>C (NM_001317186.2).
Identifiers: ClinVar variation 1914703 (VCV001914703.9), dbSNP rs2152130174, ClinGen allele CA496392387.
Genomic context (GRCh38, chr16:68,808,767, plus strand): 5'-AGACAAAGAAGGCAAGGTTTTCTACAGCATCACTGGCCAAGGAGCTGACACACCCCCTGT[T>C]GGTGTCTTTATTATTGAAAGAGAAACAGGATGGCTGAAGGTGACAGAGCCTCTGGATAGA-3'
Protein context (NP_004351.1, residues 192-212): ITGQGADTPP[Val202=]GVFIIERETG

ClinVar aggregate classification (germline): Benign/Likely benign. Review status: criteria provided, multiple submitters, no conflicts (2 of 4 stars). 4 submissions from 4 submitters: Benign (1); Likely benign (3). Last evaluated 2024-12-16.

Conditions:
Hereditary cancer-predisposing syndrome. Also called: Neoplastic Syndromes, Hereditary; Tumor predisposition; Hereditary neoplastic syndrome; Hereditary Cancer Syndrome. Identifiers: Orphanet 140162, MedGen C0027672, MeSH D009386, MONDO:0015356.
Hereditary diffuse gastric adenocarcinoma (HDGC). Also called: DIFFUSE GASTRIC AND LOBULAR BREAST CANCER SYNDROME. Identifiers: Orphanet 26106, MedGen C1708349, MONDO:0007648, OMIM 137215.

Submissions (4):

Color Diagnostics, LLC DBA Color Health
Classification: Likely benign for Hereditary cancer-predisposing syndrome. Last evaluated: 2024-12-16. Review status: criteria provided, single submitter. Criteria: ACMG Guidelines, 2015. Collection method: clinical testing. Allele origin: germline.

Myriad Genetics, Inc.
Classification: Benign for Hereditary diffuse gastric adenocarcinoma. Last evaluated: 2024-09-13. Review status: criteria provided, single submitter. Criteria: Myriad Autosomal Dominant, Autosomal Recessive and X-Linked Classification Criteria (2023). Collection method: clinical testing. Allele origin: unknown.
Comment: This variant is considered benign. This variant is a silent/synonymous amino acid change and it is not expected to impact splicing.

Labcorp Genetics (formerly Invitae), Labcorp
Classification: Likely benign for Hereditary diffuse gastric adenocarcinoma. Last evaluated: 2024-09-03. Review status: criteria provided, single submitter. Criteria: Invitae Variant Classification Sherloc (09022015). Collection method: clinical testing. Allele origin: germline.

Ambry Genetics
Classification: Likely benign for Hereditary cancer-predisposing syndrome. Last evaluated: 2023-02-24. Review status: criteria provided, single submitter. Criteria: Ambry Variant Classification Scheme 2023. Collection method: clinical testing. Allele origin: germline.